The following is an entry in ClinVar:

NM_004482.4(GALNT3):c.851A>G (p.Tyr284Cys)

Gene: GALNT3 (polypeptide N-acetylgalactosaminyltransferase 3; minus strand). Cytogenetic location: 2q24.3.
Variant type: single nucleotide variant.
Coding change: c.851A>G on transcript NM_004482.4 (MANE Select); coding-DNA position 851, A replaced by G.
Protein change: p.Tyr284Cys; replaces tyrosine 284 with cysteine.
Molecular consequence: missense variant.
Genome position (GRCh38, 1-based): chr2:165,759,558, T>C on the plus strand (A>G on the coding strand, the complement: GALNT3 is on the minus strand). VCF-style: chr2-165759558-T-C. GRCh37 (hg19) VCF-style: chr2-166616068-T-C.
Other names: short protein forms Y284C.
Identifiers: ClinVar variation 331782 (VCV000331782.12), dbSNP rs539221514, ClinGen allele CA1941069.

ClinVar aggregate classification (germline): Uncertain significance. Review status: criteria provided, multiple submitters, no conflicts (2 of 4 stars). 4 submissions from 4 submitters: Uncertain significance (4). Last evaluated 2023-07-11.

Conditions:
Inborn genetic diseases. Identifiers: MedGen C0950123, MeSH D030342.
Tumoral calcinosis, hyperphosphatemic, familial, 1. Also called: LIPOCALCINOGRANULOMATOSIS; MORBUS TEUTSCHLAENDER; TEUTSCHLAENDER DISEASE, FAMILIAL; TUMORAL CALCINOSIS, PRIMARY HYPERPHOSPHATEMIC; CALCINOSIS, TUMORAL, WITH HYPERPHOSPHATEMIA; HYPEROSTOSIS WITH HYPERPHOSPHATEMIA. Identifiers: Orphanet 53715, MedGen C4692564, MONDO:0100252, OMIM 211900.

Allele frequency attached by ClinVar (database versions not stated): ExAC 0.00003; gnomAD 0.00003; gnomAD exomes 0.00004; TOPMed 0.00005.
gnomAD v4.1: 67 of 1,613,134 alleles (0.0042%); highest among the groups gnomAD compares: Non-Finnish European, 0.0056%; no homozygotes.

Submissions (4):

Ambry Genetics
Classification: Uncertain significance for Inborn genetic diseases. Last evaluated: 2023-07-11. Review status: criteria provided, single submitter. Criteria: Ambry Variant Classification Scheme 2023. Collection method: clinical testing. Allele origin: germline.

Labcorp Genetics (formerly Invitae), Labcorp
Classification: Uncertain significance. Last evaluated: 2022-07-05. Review status: criteria provided, single submitter. Criteria: Invitae Variant Classification Sherloc (09022015). Collection method: clinical testing. Allele origin: germline.
Comment: This sequence change replaces tyrosine, which is neutral and polar, with cysteine, which is neutral and slightly polar, at codon 284 of the GALNT3 protein (p.Tyr284Cys). This variant is present in population databases (rs539221514, gnomAD 0.007%). This variant has not been reported in the literature in individuals affected with GALNT3-related conditions. ClinVar contains an entry for this variant (Variation ID: 331782). Algorithms developed to predict the effect of missense changes on protein structure and function are either unavailable or do not agree on the potential impact of this missense change (SIFT: "Tolerated"; PolyPhen-2: "Probably Damaging"; Align-GVGD: "Class C15"). In summary, the available evidence is currently insufficient to determine the role of this variant in disease. Therefore, it has been classified as a Variant of Uncertain Significance.

Fulgent Genetics
Classification: Uncertain significance for Tumoral calcinosis, hyperphosphatemic, familial, 1. Last evaluated: 2022-05-05. Review status: criteria provided, single submitter. Criteria: ACMG Guidelines, 2015. Collection method: clinical testing. Allele origin: unknown.

Illumina Laboratory Services, Illumina
Classification: Uncertain significance for Tumoral calcinosis, hyperphosphatemic, familial, 1. Last evaluated: 2018-01-12. Review status: criteria provided, single submitter. Criteria: ICSL Variant Classification Criteria 13 December 2019. Collection method: clinical testing. Allele origin: germline.